The following is an entry in ClinVar:

ClinVar aggregate classification (germline): Uncertain significance. Review status: criteria provided, multiple submitters, no conflicts (2 of 4 stars). 2 submissions from 2 submitters: Uncertain significance (2). Last evaluated 2024-10-29.

Conditions:
Inborn genetic diseases. Identifiers: MedGen C0950123, MeSH D030342.

gnomAD v4.1: 2 of 1,614,118 alleles (0.00012%); highest among the groups gnomAD compares: African/African-American, 0.0027%; no homozygotes.

Submissions (2):

Ambry Genetics
Classification: Uncertain significance for Inborn genetic diseases. Last evaluated: 2024-10-29. Review status: criteria provided, single submitter. Criteria: Ambry Variant Classification Scheme 2023. Collection method: clinical testing. Allele origin: germline.

Labcorp Genetics (formerly Invitae), Labcorp
Classification: Uncertain significance. Last evaluated: 2022-05-24. Review status: criteria provided, single submitter. Criteria: Invitae Variant Classification Sherloc (09022015). Collection method: clinical testing. Allele origin: germline.
Comment: This sequence change replaces isoleucine, which is neutral and non-polar, with threonine, which is neutral and polar, at codon 844 of the CAD protein (p.Ile844Thr). This variant is present in population databases (no rsID available, gnomAD 0.01%). This variant has not been reported in the literature in individuals affected with CAD-related conditions. Algorithms developed to predict the effect of missense changes on protein structure and function (SIFT, PolyPhen-2, Align-GVGD) all suggest that this variant is likely to be tolerated. In summary, the available evidence is currently insufficient to determine the role of this variant in disease. Therefore, it has been classified as a Variant of Uncertain Significance.

NM_004341.5(CAD):c.2531T>C (p.Ile844Thr)

Genes: CAD (carbamoyl-phosphate synthetase 2, aspartate transcarbamylase, and dihydroorotase; plus strand), LOC126806171 (BRD4-independent group 4 enhancer GRCh37_chr2:27454350-27455549; plus strand). Cytogenetic location: 2p23.3.
Variant type: single nucleotide variant.
Coding change: c.2531T>C on transcript NM_004341.5 (MANE Select); coding-DNA position 2531, T replaced by C.
Protein change: p.Ile844Thr; replaces isoleucine 844 with threonine.
Molecular consequence: missense variant.
Genome position (GRCh38, 1-based): chr2:27,232,110, T>C. VCF-style: chr2-27232110-T-C. GRCh37 (hg19) VCF-style: chr2-27454978-T-C.
Other names: c.2342T>C, p.Ile781Thr (NM_001306079.2); c.2531T>C (NM_004341.3); short protein forms I844T, I781T.
Identifiers: ClinVar variation 1997560 (VCV001997560.2), dbSNP rs775392905, ClinGen allele CA346211575.